The following is an entry in ClinVar:

NM_021167.5(GATAD1):c.-3A>G

Genes: GATAD1 (GATA zinc finger domain containing 1; plus strand), LOC129998793 (ATAC-STARR-seq lymphoblastoid silent region 18371; plus strand). Cytogenetic location: 7q21.2.
Variant type: single nucleotide variant.
Coding change: c.-3A>G on transcript NM_021167.5 (MANE Select); 3 bases upstream of the start codon, A replaced by G.
Molecular consequence: 5 prime UTR variant. On other transcripts: non-coding transcript variant (1).
Genome position (GRCh38, 1-based): chr7:92,447,727, A>G. VCF-style: chr7-92447727-A-G. GRCh37 (hg19) VCF-style: chr7-92077041-A-G.
Identifiers: ClinVar variation 392322 (VCV000392322.5), dbSNP rs776854919, ClinGen allele CA4340224.

ClinVar aggregate classification (germline): Conflicting classifications of pathogenicity. Review status: criteria provided, conflicting classifications (1 of 4 stars). 3 submissions from 3 submitters: Uncertain significance (1); Likely benign (2). Last evaluated 2025-02-27.

Conditions:
Cardiovascular phenotype. Identifiers: MedGen CN230736.

Allele frequency attached by ClinVar (database versions not stated): ExAC below 0.00001; TOPMed below 0.00001; gnomAD 0.00003 and 0.00004; gnomAD exomes 0.00003 and 0.00007.
gnomAD v4.1: 96 of 1,466,612 alleles (0.0065%); highest among the groups gnomAD compares: Non-Finnish European, 0.0069%; no homozygotes.

Submissions (3):

Ambry Genetics
Classification: Uncertain significance for Cardiovascular phenotype. Last evaluated: 2025-02-27. Review status: criteria provided, single submitter. Criteria: Ambry Variant Classification Scheme 2023. Collection method: clinical testing. Allele origin: germline.
Comment: The c.-3A>G variant is located in the 5' untranslated region (5&rsquo; UTR) of the GATAD1 gene. This variant results from an A to G substitution 3 bases upstream from the first translated codon. This nucleotide position is not well conserved in available vertebrate species. Since supporting evidence is limited at this time, the clinical significance of this alteration remains unclear.

Blueprint Genetics
Classification: Likely benign. Last evaluated: 2022-07-20. Review status: criteria provided, single submitter. Criteria: ACMG Guidelines, 2015. Collection method: clinical testing. Allele origin: germline.

GeneDx
Classification: Likely benign. Last evaluated: 2017-01-04. Review status: criteria provided, single submitter. Criteria: GeneDx Variant Classification (06012015). Collection method: clinical testing. Allele origin: germline. Affected: yes.
Comment: This variant is considered likely benign or benign based on one or more of the following criteria: it is a conservative change, it occurs at a poorly conserved position in the protein, it is predicted to be benign by multiple in silico algorithms, and/or has population frequency not consistent with disease.